The following is an entry in ClinVar:

ClinVar aggregate classification (germline): Conflicting classifications of pathogenicity. Review status: criteria provided, conflicting classifications (1 of 4 stars). 2 submissions from 2 submitters: Uncertain significance (1); Likely benign (1). Last evaluated 2025-01-19.

Conditions:
Fanconi anemia complementation group O. Also called: RAD51C-Related Fanconi Anemia. Identifiers: Orphanet 84, MedGen C3150653, MONDO:0013248, OMIM 613390.
Hereditary cancer-predisposing syndrome. Also called: Hereditary neoplastic syndrome; Tumor predisposition; Neoplastic Syndromes, Hereditary; Hereditary Cancer Syndrome. Identifiers: Orphanet 140162, MedGen C0027672, MeSH D009386, MONDO:0015356.

Submissions (2):

Labcorp Genetics (formerly Invitae), Labcorp
Classification: Uncertain significance for Fanconi anemia complementation group O. Last evaluated: 2025-01-19. Review status: criteria provided, single submitter. Criteria: Invitae Variant Classification Sherloc (09022015). Collection method: clinical testing. Allele origin: germline.
Comment: This sequence change replaces serine, which is neutral and polar, with phenylalanine, which is neutral and non-polar, at codon 362 of the RAD51C protein (p.Ser362Phe). This variant is not present in population databases (gnomAD no frequency). This variant has not been reported in the literature in individuals affected with RAD51C-related conditions. ClinVar contains an entry for this variant (Variation ID: 953321). An algorithm developed to predict the effect of missense changes on protein structure and function (PolyPhen-2) suggests that this variant is likely to be disruptive. In summary, the available evidence is currently insufficient to determine the role of this variant in disease. Therefore, it has been classified as a Variant of Uncertain Significance.

Ambry Genetics
Classification: Likely benign for Hereditary cancer-predisposing syndrome. Last evaluated: 2024-02-26. Review status: criteria provided, single submitter. Criteria: Ambry Variant Classification Scheme 2023. Collection method: clinical testing. Allele origin: germline.

NM_058216.3(RAD51C):c.1085C>T (p.Ser362Phe)

Gene: RAD51C (RAD51 paralog C; plus strand). Cytogenetic location: 17q22.
Variant type: single nucleotide variant.
Coding change: c.1085C>T on transcript NM_058216.3 (MANE Select); coding-DNA position 1085, C replaced by T.
Protein change: p.Ser362Phe; replaces serine 362 with phenylalanine.
Molecular consequence: missense variant. On other transcripts: non-coding transcript variant (1).
Genome position (GRCh38, 1-based): chr17:58,734,176, C>T. VCF-style: chr17-58734176-C-T. GRCh37 (hg19) VCF-style: chr17-56811537-C-T.
Other names: short protein forms S362F.
Identifiers: ClinVar variation 953321 (VCV000953321.12), dbSNP rs2049564336, ClinGen allele CA400366345.